The following is an entry in ClinVar:

NM_019098.5(CNGB3):c.844G>A (p.Asp282Asn)

Gene: CNGB3 (cyclic nucleotide gated channel subunit beta 3; minus strand). Cytogenetic location: 8q21.3.
Variant type: single nucleotide variant.
Coding change: c.844G>A on transcript NM_019098.5 (MANE Select); coding-DNA position 844, G replaced by A.
Protein change: p.Asp282Asn; replaces aspartic acid 282 with asparagine.
Molecular consequence: missense variant.
Genome position (GRCh38, 1-based): chr8:86,666,933, C>T on the plus strand (G>A on the coding strand, the complement: CNGB3 is on the minus strand). VCF-style: chr8-86666933-C-T. GRCh37 (hg19) VCF-style: chr8-87679161-C-T.
Other names: short protein forms D282N.
Identifiers: ClinVar variation 1944244 (VCV001944244.2), dbSNP rs2538124449, ClinGen allele CA371449256.

ClinVar aggregate classification (germline): Uncertain significance (1 of 4 stars; one submission).

Submission:

Labcorp Genetics (formerly Invitae), Labcorp
Classification: Uncertain significance. Last evaluated: 2022-05-29. Review status: criteria provided, single submitter. Criteria: Invitae Variant Classification Sherloc (09022015). Collection method: clinical testing. Allele origin: germline.
Comment: This sequence change replaces aspartic acid, which is acidic and polar, with asparagine, which is neutral and polar, at codon 282 of the CNGB3 protein (p.Asp282Asn). This variant is not present in population databases (gnomAD no frequency). This variant has not been reported in the literature in individuals affected with CNGB3-related conditions. Advanced modeling of protein sequence and biophysical properties (such as structural, functional, and spatial information, amino acid conservation, physicochemical variation, residue mobility, and thermodynamic stability) performed at Invitae indicates that this missense variant is not expected to disrupt CNGB3 protein function. In summary, the available evidence is currently insufficient to determine the role of this variant in disease. Therefore, it has been classified as a Variant of Uncertain Significance.